The following is an entry in ClinVar:

NM_001243133.2(NLRP3):c.2434G>A (p.Gly812Arg)

Gene: NLRP3 (NLR family pyrin domain containing 3; plus strand). Cytogenetic location: 1q44.
Variant type: single nucleotide variant.
Coding change: c.2434G>A on transcript NM_001243133.2 (MANE Select); coding-DNA position 2434, G replaced by A.
Protein change: p.Gly812Arg; replaces glycine 812 with arginine.
Molecular consequence: missense variant.
Genome position (GRCh38, 1-based): chr1:247,434,215, G>A. VCF-style: chr1-247434215-G-A. GRCh37 (hg19) VCF-style: chr1-247597517-G-A.
Other names: c.2434G>A, p.Gly812Arg (NM_001079821.3, NM_001127461.3); c.2263G>A, p.Gly755Arg (NM_001127462.3, NM_183395.3); c.2440G>A, p.Gly814Arg (NM_004895.5); short protein forms G755R, G812R, G814R.
Identifiers: ClinVar variation 4881773 (VCV004881773.2).

ClinVar aggregate classification (germline): Uncertain significance (1 of 4 stars; one submission).

gnomAD v4.1: 9 of 1,614,106 alleles (0.00056%); highest among the groups gnomAD compares: Admixed American, 0.005%; no homozygotes.

Submission:

Dasa
Classification: Uncertain significance. Last evaluated: 2026-02-23. Review status: criteria provided, single submitter. Criteria: DASA Assertion Criteria. Collection method: clinical testing. Allele origin: germline.
Comment: NM_001243133.2(NLRP3):c.2434G>A (p.Gly812Arg) is a missense variant that results in the substitution of glycine with arginine. This variant is rare in population databases. The currently available literature and clinical evidence are not sufficient to establish a definitive association between this variant and the reported condition. Therefore, this variant is classified as a variant of uncertain significance.